The following is an entry in ClinVar:

NM_001379500.1(COL18A1):c.1064G>A (p.Gly355Asp)

Gene: COL18A1 (collagen type XVIII alpha 1 chain; plus strand). Cytogenetic location: 21q22.3.
Variant type: single nucleotide variant.
Coding change: c.1064G>A on transcript NM_001379500.1 (MANE Select); coding-DNA position 1064, G replaced by A.
Protein change: p.Gly355Asp; replaces glycine 355 with aspartic acid.
Molecular consequence: missense variant.
Genome position (GRCh38, 1-based): chr21:45,477,808, G>A. VCF-style: chr21-45477808-G-A. GRCh37 (hg19) VCF-style: chr21-46897722-G-A.
Other names: c.1604G>A, p.Gly535Asp (NM_030582.4); c.2309G>A, p.Gly770Asp (NM_130444.3); short protein forms G355D, G770D, G535D.
Identifiers: ClinVar variation 1479502 (VCV001479502.6), dbSNP rs1311114154, ClinGen allele CA410515323.

ClinVar aggregate classification (germline): Uncertain significance (1 of 4 stars; one submission).

Allele frequency attached by ClinVar (database versions not stated): gnomAD exomes below 0.00001 and 0.00001.
gnomAD v4.1: 5 of 1,550,596 alleles (0.00032%); highest among the groups gnomAD compares: Non-Finnish European, 0.00035%; no homozygotes.

Submission:

Labcorp Genetics (formerly Invitae), Labcorp
Classification: Uncertain significance. Last evaluated: 2024-09-09. Review status: criteria provided, single submitter. Criteria: Invitae Variant Classification Sherloc (09022015). Collection method: clinical testing. Allele origin: germline.
Comment: This sequence change replaces glycine, which is neutral and non-polar, with aspartic acid, which is acidic and polar, at codon 355 of the COL18A1 protein (p.Gly355Asp). The frequency data for this variant in the population databases is considered unreliable, as metrics indicate poor data quality at this position in the gnomAD database. This variant has not been reported in the literature in individuals affected with COL18A1-related conditions. ClinVar contains an entry for this variant (Variation ID: 1479502). Experimental studies and prediction algorithms are not available or were not evaluated, and the functional significance of this variant is currently unknown. In summary, the available evidence is currently insufficient to determine the role of this variant in disease. Therefore, it has been classified as a Variant of Uncertain Significance.